The following is an entry in ClinVar:

NM_000860.6(HPGD):c.662+4A>G

Gene: HPGD (15-hydroxyprostaglandin dehydrogenase; minus strand). Cytogenetic location: 4q34.1.
Variant type: single nucleotide variant.
Coding change: c.662+4A>G on transcript NM_000860.6 (MANE Select); 4 bases into the intron after coding-DNA position 662, A replaced by G.
Molecular consequence: intron variant.
Genome position (GRCh38, 1-based): chr4:174,493,147, T>C on the plus strand (A>G on the coding strand, the complement: HPGD is on the minus strand). VCF-style: chr4-174493147-T-C. GRCh37 (hg19) VCF-style: chr4-175414298-T-C.
Other names: c.458+4A>G (NM_001256306.2); c.299+4A>G (NM_001256307.2, NM_001256301.1); c.422-1053A>G (NM_001256305.2); c.499-1053A>G (NM_001145816.3).
Identifiers: ClinVar variation 2109996 (VCV002109996.4), dbSNP rs2477829346, ClinGen allele CA2580071676.
Genomic context (GRCh38, chr4:174,493,147, plus strand): 5'-TATAGCTTATCTAAATAATGCTTTGCTTCATCATTTAAAAGAAAATAGACATAGTTTTAC[T>C]TACTCCAAAATTCCATAGTATTTAATCATATCCTTGATATGATCCTTATATTCTATATAT-3'

ClinVar aggregate classification (germline): Uncertain significance (1 of 4 stars; one submission).

Submission:

Labcorp Genetics (formerly Invitae), Labcorp
Classification: Uncertain significance. Last evaluated: 2025-08-18. Review status: criteria provided, single submitter. Criteria: Invitae Variant Classification Sherloc (09022015). Collection method: clinical testing. Allele origin: germline.
Comment: This sequence change falls in intron 6 of the HPGD gene. It does not directly change the encoded amino acid sequence of the HPGD protein. It affects a nucleotide within the consensus splice site. This variant is not present in population databases (gnomAD no frequency). This variant has not been reported in the literature in individuals affected with HPGD-related conditions. ClinVar contains an entry for this variant (Variation ID: 2109996). Variants that disrupt the consensus splice site are a relatively common cause of aberrant splicing (PMID: 17576681, 9536098). Algorithms developed to predict the effect of sequence changes on RNA splicing suggest that this variant may disrupt the consensus splice site. In summary, the available evidence is currently insufficient to determine the role of this variant in disease. Therefore, it has been classified as a Variant of Uncertain Significance.

Literature cited by the submitters: PubMed 17576681; PubMed 9536098.